The following is an entry in ClinVar:

NM_000368.5(TSC1):c.337_338del (p.Leu113fs)

Gene: TSC1 (TSC complex subunit 1; minus strand). Cytogenetic location: 9q34.13.
Variant type: Deletion.
Coding change: c.337_338del on transcript NM_000368.5 (MANE Select); coding-DNA positions 337 to 338, 2 bases deleted (TT; older notation c.337_338delTT).
Protein change: p.Leu113fs; shifts the reading frame from leucine 113.
Molecular consequence: frameshift variant. On other transcripts: 5 prime UTR variant (1), intron variant (1).
Genome position (GRCh38, 1-based): chr9:132,925,612-132,925,613, AA deleted on the plus strand (TT on the coding strand, the reverse complement: TSC1 is on the minus strand); deleting any 2 consecutive bases within chr9:132,925,612-132,925,615 gives the same sequence; the c. name uses the placement nearest the transcript's 3' end. VCF-style (leftmost placement, unchanged base first): chr9-132925611-CAA-C. GRCh37 (hg19) VCF-style: chr9-135800998-CAA-C.
Other names: c.337_338del, p.Leu113fs (NM_001162426.2); c.-27_-26del (NM_001362177.2); c.210+1588_210+1589del (NM_001162427.2); short protein forms L113fs.
Identifiers: ClinVar variation 1426676 (VCV001426676.6), dbSNP rs118203367, ClinGen allele CA2573144218.

ClinVar aggregate classification (germline): Pathogenic (1 of 4 stars; one submission).

Conditions:
Tuberous sclerosis 1 (TSC1). Identifiers: Orphanet 805, MedGen C1854465, MONDO:0008612, OMIM 191100.

Submission:

Labcorp Genetics (formerly Invitae), Labcorp
Classification: Pathogenic for Tuberous sclerosis 1. Last evaluated: 2020-11-18. Review status: criteria provided, single submitter. Criteria: Invitae Variant Classification Sherloc (09022015). Collection method: clinical testing. Allele origin: germline.
Comment: This sequence change creates a premature translational stop signal (p.Leu113Alafs*12) in the TSC1 gene. It is expected to result in an absent or disrupted protein product. Loss-of-function variants in TSC1 are known to be pathogenic (PMID: 10227394, 17304050). This variant is not present in population databases (ExAC no frequency). For these reasons, this variant has been classified as Pathogenic. This variant has not been reported in the literature in individuals with TSC1-related conditions.

Literature cited by the submitters: PubMed 10227394; PubMed 17304050.